The following is an entry in ClinVar:

ClinVar aggregate classification (germline): Uncertain significance (1 of 4 stars; one submission).

Conditions:
Fanconi anemia complementation group J. Also called: BRIP1-Related Fanconi Anemia. Identifiers: Orphanet 84, MedGen C1836860, MONDO:0012187, OMIM 609054.
Familial cancer of breast. Also called: Hereditary breast cancer; hereditary breast carcinoma; BREAST CANCER, FAMILIAL. Identifiers: Orphanet 227535, MedGen C0346153, MONDO:0016419, OMIM 114480. Disease mechanism: loss of function.

Submission:

Labcorp Genetics (formerly Invitae), Labcorp
Classification: Uncertain significance for Familial cancer of breast; Fanconi anemia complementation group J. Last evaluated: 2026-01-07. Review status: criteria provided, single submitter. Criteria: Invitae Variant Classification Sherloc (09022015). Collection method: clinical testing. Allele origin: germline.
Comment: This sequence change replaces cysteine, which is neutral and slightly polar, with serine, which is neutral and polar, at codon 942 of the BRIP1 protein (p.Cys942Ser). This variant is not present in population databases (gnomAD no frequency). This variant has not been reported in the literature in individuals affected with BRIP1-related conditions. Invitae Evidence Modeling of protein sequence and biophysical properties (such as structural, functional, and spatial information, amino acid conservation, physicochemical variation, residue mobility, and thermodynamic stability) indicates that this missense variant is not expected to disrupt BRIP1 protein function with a negative predictive value of 95%. In summary, the available evidence is currently insufficient to determine the role of this variant in disease. Therefore, it has been classified as a Variant of Uncertain Significance.

NM_032043.3(BRIP1):c.2825G>C (p.Cys942Ser)

Gene: BRIP1 (BRCA1 interacting DNA helicase 1; minus strand). Cytogenetic location: 17q23.2.
Variant type: single nucleotide variant.
Coding change: c.2825G>C on transcript NM_032043.3 (MANE Select); coding-DNA position 2825, G replaced by C.
Protein change: p.Cys942Ser; replaces cysteine 942 with serine.
Molecular consequence: missense variant.
Genome position (GRCh38, 1-based): chr17:61,685,916, C>G on the plus strand (G>C on the coding strand, the complement: BRIP1 is on the minus strand). VCF-style: chr17-61685916-C-G. GRCh37 (hg19) VCF-style: chr17-59763277-C-G.
Other names: short protein forms C942S.
Identifiers: ClinVar variation 4783545 (VCV004783545.1).